The following is an entry in ClinVar:

ClinVar aggregate classification (germline): Likely pathogenic (1 of 4 stars; one submission).

Conditions:
Juvenile onset Parkinson disease 19A. Also called: PARK19; DNAJC6 Parkinson Disease. Identifiers: Orphanet 391411, MedGen C3809811, MONDO:0014231, OMIM 615528.

Submission:

Diagnostics Services (NGS), CSIR - Centre For Cellular And Molecular Biology
Classification: Likely pathogenic for Juvenile onset Parkinson disease 19A. Last evaluated: 2023-05-01. Review status: criteria provided, single submitter. Criteria: ACMG Guidelines, 2015. Collection method: clinical testing. Allele origin: unknown. Affected: yes. Observed: 1 variant allele, 1 heterozygote.
Comment: The c.2570del variation is not present in publicly available population databases like 1000 Genomes, ExAC, EVS, Indian Exome Database or our in-house exome database. The variant has neither been published in literature nor reported to clinical databases like in ClinVar, Human Gene Mutation Database (HGMD) or OMIM, in any affected individuals. In silico pathogenicity prediction programs like MutationTaster2, CADD, Varsome, Franklin etc predicted this variant to be likely deleterious. This variant causes frameshift at the 857th amino acid position of the wild-type transcript which creates a premature translational stop signal in the altered transcript that may either result in translation of a truncated protein or cause nonsense-mediated decay of the mRNA.

NM_001256864.2(DNAJC6):c.2570del (p.Pro857fs)

Gene: DNAJC6 (DnaJ heat shock protein family (Hsp40) member C6; plus strand). Cytogenetic location: 1p31.3.
Variant type: Deletion.
Coding change: c.2570del on transcript NM_001256864.2 (MANE Select); coding-DNA position 2570, one base deleted (C; older notation c.2570delC).
Protein change: p.Pro857fs; shifts the reading frame from proline 857.
Molecular consequence: frameshift variant.
Genome position (GRCh38, 1-based): chr1:65,408,719, C deleted; the last of 2 consecutive C bases (chr1:65,408,718-65,408,719); deleting either gives the same sequence. VCF-style (leftmost placement, unchanged base first): chr1-65408717-GC-G. GRCh37 (hg19) VCF-style: chr1-65874400-GC-G.
Other names: c.2360del, p.Pro787fs (NM_001256865.2); c.2399del, p.Pro800fs (NM_014787.4); short protein forms P787fs, P800fs, P857fs.
Identifiers: ClinVar variation 2505345 (VCV002505345.2), dbSNP rs2525354474, ClinGen allele CA2580611457.